The following is an entry in ClinVar:

NM_001267550.2(TTN):c.53599G>T (p.Glu17867Ter)

Genes: TTN (titin; minus strand), TTN-AS1 (TTN antisense RNA 1; plus strand). Cytogenetic location: 2q31.2.
Variant type: single nucleotide variant.
Coding change: c.53599G>T on transcript NM_001267550.2 (MANE Select); coding-DNA position 53599, G replaced by T.
Protein change: p.Glu17867Ter; replaces glutamic acid 17867 with a stop codon.
Molecular consequence: nonsense.
Genome position (GRCh38, 1-based): chr2:178,605,696, C>A on the plus strand (G>T on the coding strand, the complement: TTN is on the minus strand). VCF-style: chr2-178605696-C-A. GRCh37 (hg19) VCF-style: chr2-179470423-C-A.
Other names: c.48676G>T, p.Glu16226Ter (NM_001256850.1); c.26404G>T, p.Glu8802Ter (NM_003319.4); c.45895G>T, p.Glu15299Ter (NM_133378.4); c.26779G>T, p.Glu8927Ter (NM_133432.3); c.26980G>T, p.Glu8994Ter (NM_133437.4); c.53599G>T (NM_001267550.1); short protein forms E16226*, E17867*, E8802*, E15299*, E8927*, E8994*.
Identifiers: ClinVar variation 429437 (VCV000429437.22), dbSNP rs1131691381, ClinGen allele CA349562547.
Genomic context (GRCh38, chr2:178,605,696, plus strand): 5'-GGGGCTCTTTCCAGTCAAGTGTGATAGTGGACTTTGTCCTTTCAGTGTATGTGAGCCTCT[C>A]TGGAGATGTTGGAGGACCTTTAGCCAGAGGCAAGTGAAAATGATTAGCATGAGATAAATA-3'

ClinVar aggregate classification (germline): Pathogenic/Likely pathogenic. Review status: criteria provided, multiple submitters, no conflicts (2 of 4 stars). 5 submissions from 5 submitters: Pathogenic (4); Likely pathogenic (1). Last evaluated 2026-05-18.

Conditions:
TTN-related disorder. Also called: TTN-related disorders; TTN-related condition; TTN-related disease.
Cardiovascular phenotype. Identifiers: MedGen CN230736.
Autosomal recessive limb-girdle muscular dystrophy type 2J (LGMDR10). Also called: Limb-girdle muscular dystrophy, type 2J; MUSCULAR DYSTROPHY, LIMB-GIRDLE, AUTOSOMAL RECESSIVE 10. Identifiers: Orphanet 140922, MedGen C1837342, MONDO:0012127, OMIM 608807.
Dilated cardiomyopathy 1G (CMD1G). Identifiers: Orphanet 154, MedGen C1858763, MONDO:0011400, OMIM 604145.
Myopathy, myofibrillar, 9, with early respiratory failure (MFM9). Also called: EDSTROM MYOPATHY; Hereditary myopathy with early respiratory failure; Myopathy, distal, with early respiratory failure, autosomal dominant; MYOPATHY, PROXIMAL, WITH EARLY RESPIRATORY MUSCLE INVOLVEMENT. Identifiers: Orphanet 178464, Orphanet 34521, MedGen C1863599, MONDO:0011362, OMIM 603689.
Hypertrophic cardiomyopathy 9. Also called: Familial hypertrophic cardiomyopathy 9. Identifiers: MedGen C1861065, MONDO:0013412, OMIM 613765.
Tibial muscular dystrophy (TMD). Also called: UDD MYOPATHY; Udd Distal Myopathy – Tibial Muscular Dystrophy; Tibial muscular dystrophy, tardive. Identifiers: Orphanet 609, MedGen C1838244, MONDO:0010870, OMIM 600334.
Early-onset myopathy with fatal cardiomyopathy (CMYO5). Also called: Salih Myopathy; CONGENITAL MYOPATHY 5 WITH CARDIOMYOPATHY. Identifiers: Orphanet 289377, MedGen C2673677, MONDO:0012714, OMIM 611705. Disease mechanism: loss of function.

Allele frequency attached by ClinVar (database versions not stated): gnomAD exomes below 0.00001 and 0.00001.
gnomAD v4.1: 4 of 1,547,782 alleles (0.00026%); highest among the groups gnomAD compares: African/African-American, 0.0014%; no homozygotes.

Submissions (5):

Ambry Genetics
Classification: Pathogenic for Cardiovascular phenotype. Last evaluated: 2026-05-18. Review status: criteria provided, single submitter. Criteria: Ambry Variant Classification Scheme 2023. Collection method: clinical testing. Allele origin: germline.
Comment: The c.26404G>T (p.E8802*) alteration, located in exon 107 (coding exon 106) of the TTN gene, consists of a G to T substitution at nucleotide position 26404. This changes the amino acid from a glutamic acid (E) to a stop codon at amino acid position 8802. This alteration is expected to result in loss of function by premature protein truncation or nonsense-mediated mRNA decay. This exon is located in the A-band region of the N2-B isoform of the titin protein and is constitutively expressed in TTN transcripts (percent spliced in or PSI 100%). Based on data from gnomAD, the T allele has an overall frequency of <0.001% (1/216096) total alleles studied. The highest observed frequency was 0.001% (1/101728) of European (non-Finnish) alleles. This variant was reported in individual(s) with features consistent with TTN-related dilated cardiomyopathy (Ambry internal data). Based on the available evidence, this alteration is classified as pathogenic.

Labcorp Genetics (formerly Invitae), Labcorp
Classification: Pathogenic for Dilated cardiomyopathy 1G; Autosomal recessive limb-girdle muscular dystrophy type 2J. Last evaluated: 2026-02-01. Review status: criteria provided, single submitter. Criteria: Invitae Variant Classification Sherloc (09022015). Collection method: clinical testing. Allele origin: germline.
Comment: This sequence change creates a premature translational stop signal (p.Glu17867*) in the TTN gene. While this is not anticipated to result in nonsense mediated decay, it is expected to create a truncated TTN protein. This variant is present in population databases (no rsID available, gnomAD 0.001%). This premature translational stop signal has been observed in individuals with dilated cardiomyopathy (internal data). ClinVar contains an entry for this variant (Variation ID: 429437). This variant is located in the A band of TTN (PMID: 25589632). Truncating variants in this region are significantly overrepresented in patients affected with dilated cardiomyopathy (PMID: 25589632). Truncating variants in this region have also been reported in individuals affected with autosomal recessive centronuclear myopathy (PMID: 23975875). For these reasons, this variant has been classified as Pathogenic.

PreventionGenetics, part of Exact Sciences
Classification: Pathogenic for TTN-related condition. Last evaluated: 2025-11-18. Review status: criteria provided, single submitter. Criteria: ACMG Guidelines, 2015. Collection method: clinical testing. Allele origin: germline.
Comment: The TTN c.53599G>T variant is predicted to result in premature protein termination (p.Glu17867*). This variant has been reported in a cohort of individuals with atrial fibrillation (Laws et al. 2025. PubMed ID: 41166358). This variant is reported in 0.00098% of alleles in individuals of European (Non-Finnish) descent in gnomAD. This variant is located in the A-band region of the protein in which truncating TTN variants have been found more frequently in dilated cardiomyopathy patients than in controls (Herman et al. 2012. PubMed ID: 22335739). RNAseq studies from heart tissue indicate this exon is commonly included in TTN mRNA transcripts (PSI of 93%-100%, Roberts et al. 2015. PubMed ID: 25589632). TTN loss-of-function variants occurring in constitutively expressed exons (PSI > 90%) are more likely to be disease causing for TTN cardiac-related disorders regardless of band location (Roberts et al. 2015. PubMed ID: 25589632; Schafer et al. 2017. PubMed ID: 27869827; Akhtar et al. 2020. PubMed ID: 32964742). Many cases of recessive TTN-related myopathies in which the individual is compound heterozygous for two loss-of-function variants in TTN have also been reported (Oates et al. 2018. PubMed ID: 29691892; Ge et al. 2019. PubMed ID: 31053406; Rees et al. 2021. PubMed ID: 33449170). In summary, this variant is categorized as pathogenic. Of note, this variant is considered pathogenic for increased risk of TTN-related cardiac disorders, and also for autosomal recessive TTN-related congenital titinopathies.

GeneDx
Classification: Pathogenic. Last evaluated: 2025-06-16. Review status: criteria provided, single submitter. Criteria: GeneDx Variant Classification Process June 2021. Collection method: clinical testing. Allele origin: germline. Affected: yes.
Comment: Has not been previously published as pathogenic or benign to our knowledge; Not observed at significant frequency in large population cohorts (gnomAD); Nonsense variant predicted to result in protein truncation or nonsense mediated decay in a gene for which loss of function is a known mechanism of disease; Located in the A-band, a region of TTN for which truncating variants are significantly associated with autosomal dominant cardiomyopathy and also with autosomal recessive skeletal myopathies (PMID: 22335739, 32778822); This variant is associated with the following publications: (PMID: 22335739, 32778822)

Fulgent Genetics
Classification: Likely pathogenic for Tibial muscular dystrophy; Myopathy, myofibrillar, 9, with early respiratory failure; Dilated cardiomyopathy 1G; Autosomal recessive limb-girdle muscular dystrophy type 2J; Early-onset myopathy with fatal cardiomyopathy; Hypertrophic cardiomyopathy 9. Last evaluated: 2024-05-14. Review status: criteria provided, single submitter. Criteria: ACMG Guidelines, 2015. Collection method: clinical testing. Allele origin: germline.

Literature cited by the submitters: PubMed 25589632 (cited by Labcorp Genetics (formerly Invitae), Labcorp); PubMed 23975875 (cited by Labcorp Genetics (formerly Invitae), Labcorp).